The following is an entry in ClinVar:

NM_030665.4(RAI1):c.356A>G (p.Gln119Arg)

Gene: RAI1 (retinoic acid induced 1; plus strand). Cytogenetic location: 17p11.2.
Variant type: single nucleotide variant.
Coding change: c.356A>G on transcript NM_030665.4 (MANE Select); coding-DNA position 356, A replaced by G.
Protein change: p.Gln119Arg; replaces glutamine 119 with arginine.
Molecular consequence: missense variant.
Genome position (GRCh38, 1-based): chr17:17,793,304, A>G. VCF-style: chr17-17793304-A-G. GRCh37 (hg19) VCF-style: chr17-17696618-A-G.
Other names: c.356A>G (NM_030665.3); short protein forms Q119R.
Identifiers: ClinVar variation 2053732 (VCV002053732.6), dbSNP rs752599214, ClinGen allele CA8418106.

ClinVar aggregate classification (germline): Conflicting classifications of pathogenicity. Review status: criteria provided, conflicting classifications (1 of 4 stars). 3 submissions from 3 submitters: Uncertain significance (1); Likely benign (2). Last evaluated 2025-11-05.

Conditions:
Inborn genetic diseases. Identifiers: MedGen C0950123, MeSH D030342.

Allele frequency attached by ClinVar (database versions not stated): TOPMed below 0.00001; gnomAD exomes 0.00002; ExAC 0.00003.
gnomAD v4.1: 14 of 1,612,456 alleles (0.00087%); highest among the groups gnomAD compares: Non-Finnish European, 0.0012%; no homozygotes.

Submissions (3):

Labcorp Genetics (formerly Invitae), Labcorp
Classification: Likely benign. Last evaluated: 2025-11-05. Review status: criteria provided, single submitter. Criteria: Invitae Variant Classification Sherloc (09022015). Collection method: clinical testing. Allele origin: germline.

Ambry Genetics
Classification: Likely benign for Inborn genetic diseases. Last evaluated: 2025-10-18. Review status: criteria provided, single submitter. Criteria: Ambry Variant Classification Scheme 2023. Collection method: clinical testing. Allele origin: germline.

Women's Health and Genetics/Laboratory Corporation of America, LabCorp
Classification: Uncertain significance. Last evaluated: 2025-06-26. Review status: criteria provided, single submitter. Criteria: LabCorp Variant Classification Summary - May 2015. Collection method: clinical testing. Allele origin: germline.
Comment: Variant summary: RAI1 c.356A>G (p.Gln119Arg) results in a conservative amino acid change in the encoded protein sequence. Algorithms developed to predict the effect of missense changes on protein structure and function are either unavailable or do not agree on the potential impact of this missense change. The variant allele was found at a frequency of 2.5e-05 in 243776 control chromosomes. The available data on variant occurrences in the general population are insufficient to allow any conclusion about variant significance. To our knowledge, no occurrence of c.356A>G in individuals affected with Smith-Magenis Syndrome and no experimental evidence demonstrating its impact on protein function have been reported. ClinVar contains an entry for this variant (Variation ID: 2053732). Based on the evidence outlined above, the variant was classified as uncertain significance.